The following is an entry in ClinVar:

ClinVar aggregate classification (germline): Benign. Review status: criteria provided, multiple submitters, no conflicts (2 of 4 stars). 2 submissions from 2 submitters: Benign (2). Last evaluated 2018-01-12.

Conditions:
Growth delay due to insulin-like growth factor I resistance. Also called: Somatomedin end-organ insensitivity to; Somatomedin-c resistance to; IGF-1 resistance; IGF-I RESISTANCE; Insulin-Like Growth Factor I Resistance. Identifiers: Orphanet 73273, MedGen C1849157, MONDO:0010038, OMIM 270450.

Allele frequency attached by ClinVar (database versions not stated): 1000 Genomes Project 0.08327; 1000 Genomes Project 30x 0.08542; TOPMed 0.15987; gnomAD exomes 0.17534; gnomAD 0.17877.
gnomAD v4.1: 40,124 of 233,318 alleles (17%); highest among the groups gnomAD compares: Non-Finnish European, 23%; 4,097 homozygotes.

Submissions (2):

Illumina Laboratory Services, Illumina
Classification: Benign for Growth delay due to insulin-like growth factor I resistance. Last evaluated: 2018-01-12. Review status: criteria provided, single submitter. Criteria: ICSL Variant Classification Criteria 13 December 2019. Collection method: clinical testing. Allele origin: germline.
Comment: This variant was observed in the ICSL laboratory as part of a predisposition screen in an ostensibly healthy population. It had not been previously curated by ICSL or reported in the Human Gene Mutation Database (HGMD: prior to June 1st, 2018), and was therefore a candidate for classification through an automated scoring system. Utilizing variant allele frequency, disease prevalence and penetrance estimates, and inheritance mode, an automated score was calculated to assess if this variant is too frequent to cause the disease. Based on the score and internal cut-off values, a variant classified as benign is not then subjected to further curation. The score for this variant resulted in a classification of benign for this disease.

Breakthrough Genomics
Classification: Benign. Review status: criteria provided, single submitter. Criteria: ACMG Guidelines, 2015. Collection method: not provided. Allele origin: germline. Inheritance: Autosomal dominant inheritance. Affected: yes.

NM_000875.5(IGF1R):c.*5309C>T

Gene: IGF1R (insulin like growth factor 1 receptor; plus strand). Cytogenetic location: 15q26.3.
Variant type: single nucleotide variant.
Coding change: c.*5309C>T on transcript NM_000875.5 (MANE Select); 5309 bases downstream of the stop codon, C replaced by T.
Molecular consequence: 3 prime UTR variant.
Genome position (GRCh38, 1-based): chr15:98,962,751, C>T. VCF-style: chr15-98962751-C-T. GRCh37 (hg19) VCF-style: chr15-99505980-C-T.
Other names: c.*5309C>T (NM_001291858.2).
Identifiers: ClinVar variation 317602 (VCV000317602.6), dbSNP rs2684785, ClinGen allele CA10642771.
Genomic context (GRCh38, chr15:98,962,751, plus strand): 5'-GGGTGCAGGGCTTGGAAGGAATGTGGGCAAGGTTTTGAACTTGATTGTTCTTGAAGCTAT[C>T]AGACCACATCGAGGCTCAGCAGTCATCCGTGGGCATTTGGTTTCAACAAAGAAACCTAAC-3'